The following is an entry in ClinVar:

ClinVar aggregate classification (germline): Uncertain significance. Review status: criteria provided, multiple submitters, no conflicts (2 of 4 stars). 3 submissions from 3 submitters: Uncertain significance (3). Last evaluated 2025-01-07.

Allele frequency attached by ClinVar (database versions not stated): gnomAD 0.00005 and 0.00028; gnomAD exomes 0.00010 and 0.00011; ExAC 0.00011; TOPMed 0.00036.
gnomAD v4.1: 181 of 1,612,574 alleles (0.011%); highest among the groups gnomAD compares: Admixed American, 0.04%; 1 homozygote.

Submissions (3):

Labcorp Genetics (formerly Invitae), Labcorp
Classification: Uncertain significance. Last evaluated: 2025-01-07. Review status: criteria provided, single submitter. Criteria: Invitae Variant Classification Sherloc (09022015). Collection method: clinical testing. Allele origin: germline.
Comment: This sequence change replaces valine, which is neutral and non-polar, with isoleucine, which is neutral and non-polar, at codon 797 of the ZNF341 protein (p.Val797Ile). This variant is present in population databases (rs199525160, gnomAD 0.06%). This variant has not been reported in the literature in individuals affected with ZNF341-related conditions. ClinVar contains an entry for this variant (Variation ID: 1357178). An algorithm developed to predict the effect of missense changes on protein structure and function (PolyPhen-2) suggests that this variant is likely to be disruptive. In summary, the available evidence is currently insufficient to determine the role of this variant in disease. Therefore, it has been classified as a Variant of Uncertain Significance.

Ambry Genetics
Classification: Uncertain significance. Last evaluated: 2021-10-06. Review status: criteria provided, single submitter. Criteria: Ambry Variant Classification Scheme 2023. Collection method: clinical testing. Allele origin: germline.

Breakthrough Genomics
Classification: Uncertain significance. Review status: criteria provided, single submitter. Criteria: ACMG Guidelines, 2015. Collection method: not provided. Allele origin: germline. Inheritance: Autosomal dominant inheritance. Affected: yes.

NM_001282933.2(ZNF341):c.2410G>A (p.Val804Ile)

Genes: ZNF341 (zinc finger protein 341; plus strand), ZNF341-AS1 (ZNF341 antisense RNA 1; minus strand). Cytogenetic location: 20q11.22.
Variant type: single nucleotide variant.
Coding change: c.2410G>A on transcript NM_001282933.2 (MANE Select); coding-DNA position 2410, G replaced by A.
Protein change: p.Val804Ile; replaces valine 804 with isoleucine.
Molecular consequence: missense variant. On other transcripts: non-coding transcript variant (1).
Genome position (GRCh38, 1-based): chr20:33,791,362, G>A. VCF-style: chr20-33791362-G-A. GRCh37 (hg19) VCF-style: chr20-32379168-G-A.
Other names: c.2140G>A, p.Val714Ile (NM_001282935.2); c.2389G>A, p.Val797Ile (NM_032819.5); c.2389G>A (NM_032819.3); short protein forms V797I, V804I, V714I.
Identifiers: ClinVar variation 1357178 (VCV001357178.6), dbSNP rs199525160, ClinGen allele CA9819797.